The following is an entry in ClinVar:

NM_007294.4(BRCA1):c.4987-4T>C

Gene: BRCA1 (BRCA1 DNA repair associated; minus strand). Cytogenetic location: 17q21.31.
Variant type: single nucleotide variant.
Coding change: c.4987-4T>C on transcript NM_007294.4 (MANE Select); 4 bases into the intron before coding-DNA position 4987, T replaced by C.
Molecular consequence: intron variant.
Genome position (GRCh38, 1-based): chr17:43,067,699, A>G on the plus strand (T>C on the coding strand, the complement: BRCA1 is on the minus strand). VCF-style: chr17-43067699-A-G. GRCh37 (hg19) VCF-style: chr17-41219716-A-G.
Other names: c.4861-4T>C (NM_001407670.1, NM_001407675.1, NM_001407680.1 and 11 more transcripts); c.1555-4T>C (NM_001408431.1, NM_001408425.1, NM_001408428.1 and 4 more transcripts); c.1558-4T>C (NM_001408424.1, NM_001408422.1, NM_001408423.1 and 1 more transcripts); c.1669-4T>C (NM_001408407.1, NM_001408406.1, NM_001408408.1); c.1672-4T>C (NM_001408402.1, NM_001408473.1, NM_001408399.1 and 8 more transcripts); c.1675-4T>C (NM_001407984.1, NM_001407983.1, NM_001407992.1 and 12 more transcripts); c.4978-4T>C (NM_001407645.1, NM_001407644.1); c.4981-4T>C (NM_001407628.1, NM_001407637.1, NM_001407641.1 and 14 more transcripts); and 71 more.
Identifiers: ClinVar variation 868897 (VCV000868897.3), dbSNP rs1157151499, ClinGen allele CA916080166.

Conditions:
Breast-ovarian cancer, familial, susceptibility to, 1 (BROVCA1). Also called: BRCA1 Hereditary Breast and Ovarian Cancer; OVARIAN CANCER, SUSCEPTIBILITY TO. Identifiers: Orphanet 145, MedGen C2676676, MONDO:0011450, OMIM 604370. Disease mechanism: loss of function.

Submission:

Brotman Baty Institute, University of Washington
No classification provided (evidence only). Condition: Breast-ovarian cancer, familial 1. Review status: no classification provided. Collection method: in vitro. Allele origin: not applicable. Functional consequence: functionally_normal.
ClinVar note: "not provided" was previously submitted as the classification for the variant. However, the classification appeared to be based only on an observation of functional data so it was converted to no classification on 2025-07-30.